The following is an entry in ClinVar:

ClinVar aggregate classification (germline): Uncertain significance. Review status: criteria provided, multiple submitters, no conflicts (2 of 4 stars). 2 submissions from 2 submitters: Uncertain significance (2). Last evaluated 2025-03-17.

Conditions:
Inborn genetic diseases. Identifiers: MedGen C0950123, MeSH D030342.
Primary immunodeficiency with post-measles-mumps-rubella vaccine viral infection. Also called: Immunodeficiency 44. Identifiers: Orphanet 431166, MedGen C4225260, MONDO:0014715, OMIM 616636.

Allele frequency attached by ClinVar (database versions not stated): gnomAD exomes below 0.00001 and 0.00001; TOPMed 0.00001; gnomAD 0.00001; ExAC 0.00002.
gnomAD v4.1: 7 of 1,613,982 alleles (0.00043%); highest among the groups gnomAD compares: East Asian, 0.0022%; no homozygotes.

Submissions (2):

Ambry Genetics
Classification: Uncertain significance for Inborn genetic diseases. Last evaluated: 2025-03-17. Review status: criteria provided, single submitter. Criteria: Ambry Variant Classification Scheme 2023. Collection method: clinical testing. Allele origin: germline.

Labcorp Genetics (formerly Invitae), Labcorp
Classification: Uncertain significance for Primary immunodeficiency with post-measles-mumps-rubella vaccine viral infection. Last evaluated: 2022-10-11. Review status: criteria provided, single submitter. Criteria: Invitae Variant Classification Sherloc (09022015). Collection method: clinical testing. Allele origin: germline.
Comment: This sequence change replaces isoleucine, which is neutral and non-polar, with threonine, which is neutral and polar, at codon 39 of the STAT2 protein (p.Ile39Thr). This variant is present in population databases (rs757152982, gnomAD 0.006%). This variant has not been reported in the literature in individuals affected with STAT2-related conditions. ClinVar contains an entry for this variant (Variation ID: 475687). Advanced modeling of protein sequence and biophysical properties (such as structural, functional, and spatial information, amino acid conservation, physicochemical variation, residue mobility, and thermodynamic stability) performed at Invitae indicates that this missense variant is expected to disrupt STAT2 protein function. In summary, the available evidence is currently insufficient to determine the role of this variant in disease. Therefore, it has been classified as a Variant of Uncertain Significance.

NM_005419.4(STAT2):c.116T>C (p.Ile39Thr)

Gene: STAT2 (signal transducer and activator of transcription 2; minus strand). Cytogenetic location: 12q13.3.
Variant type: single nucleotide variant.
Coding change: c.116T>C on transcript NM_005419.4 (MANE Select); coding-DNA position 116, T replaced by C.
Protein change: p.Ile39Thr; replaces isoleucine 39 with threonine.
Molecular consequence: missense variant.
Genome position (GRCh38, 1-based): chr12:56,356,456, A>G on the plus strand (T>C on the coding strand, the complement: STAT2 is on the minus strand). VCF-style: chr12-56356456-A-G. GRCh37 (hg19) VCF-style: chr12-56750240-A-G.
Other names: c.116T>C, p.Ile39Thr (LRG_1329t1, NM_198332.2); short protein forms I39T.
Identifiers: ClinVar variation 475687 (VCV000475687.7), dbSNP rs757152982, ClinGen allele CA6630958.